The following is an entry in ClinVar:

ClinVar aggregate classification (germline): Uncertain significance (1 of 4 stars; one submission).

gnomAD v4.1: 13 of 1,613,778 alleles (0.00081%); highest among the groups gnomAD compares: African/African-American, 0.012%; no homozygotes.

Submission:

Labcorp Genetics (formerly Invitae), Labcorp
Classification: Uncertain significance. Last evaluated: 2025-10-29. Review status: criteria provided, single submitter. Criteria: Invitae Variant Classification Sherloc (09022015). Collection method: clinical testing. Allele origin: germline.
Comment: This sequence change replaces serine, which is neutral and polar, with leucine, which is neutral and non-polar, at codon 701 of the DSCAML1 protein (p.Ser701Leu). This variant is present in population databases (no rsID available, gnomAD 0.03%). This variant has not been reported in the literature in individuals affected with DSCAML1-related conditions. An algorithm developed to predict the effect of missense changes on protein structure and function (PolyPhen-2) suggests that this variant is likely to be tolerated. In summary, the available evidence is currently insufficient to determine the role of this variant in disease. Therefore, it has been classified as a Variant of Uncertain Significance.

NM_020693.4(DSCAML1):c.1922C>T (p.Ser641Leu)

Gene: DSCAML1 (DS cell adhesion molecule like 1; minus strand). Cytogenetic location: 11q23.3.
Variant type: single nucleotide variant.
Coding change: c.1922C>T on transcript NM_020693.4 (MANE Select); coding-DNA position 1922, C replaced by T.
Protein change: p.Ser641Leu; replaces serine 641 with leucine.
Molecular consequence: missense variant.
Genome position (GRCh38, 1-based): chr11:117,505,594, G>A on the plus strand (C>T on the coding strand, the complement: DSCAML1 is on the minus strand). VCF-style: chr11-117505594-G-A. GRCh37 (hg19) VCF-style: chr11-117376309-G-A.
Other names: c.1922C>T, p.Ser641Leu (NM_001367904.1); short protein forms S641L.
Identifiers: ClinVar variation 4697807 (VCV004697807.1).